The following is an entry in ClinVar:

NM_032119.4(ADGRV1):c.1839+3A>G

Gene: ADGRV1 (adhesion G protein-coupled receptor V1; plus strand). Cytogenetic location: 5q14.3.
Variant type: single nucleotide variant.
Coding change: c.1839+3A>G on transcript NM_032119.4 (MANE Select); 3 bases into the intron after coding-DNA position 1839, A replaced by G.
Molecular consequence: intron variant.
Genome position (GRCh38, 1-based): chr5:90,629,542, A>G. VCF-style: chr5-90629542-A-G. GRCh37 (hg19) VCF-style: chr5-89925359-A-G.
Identifiers: ClinVar variation 1397345 (VCV001397345.3), dbSNP rs767817804, ClinGen allele CA3338758.

ClinVar aggregate classification (germline): Uncertain significance (1 of 4 stars; one submission).

Allele frequency attached by ClinVar (database versions not stated): ExAC 0.00001; gnomAD 0.00001; gnomAD exomes 0.00001; TOPMed 0.00001.
gnomAD v4.1: 4 of 1,583,280 alleles (0.00025%); highest among the groups gnomAD compares: Admixed American, 0.0053%; no homozygotes.

Submission:

Labcorp Genetics (formerly Invitae), Labcorp
Classification: Uncertain significance. Last evaluated: 2021-03-28. Review status: criteria provided, single submitter. Criteria: Invitae Variant Classification Sherloc (09022015). Collection method: clinical testing. Allele origin: germline.
Comment: This sequence change falls in intron 9 of the ADGRV1 gene. It does not directly change the encoded amino acid sequence of the ADGRV1 protein. It affects a nucleotide within the consensus splice site of the intron. This variant is present in population databases (rs767817804, ExAC 0.009%). This variant has not been reported in the literature in individuals with ADGRV1-related conditions. Nucleotide substitutions within the consensus splice site are a relatively common cause of aberrant splicing (PMID: 17576681, 9536098). Algorithms developed to predict the effect of sequence changes on RNA splicing suggest that this variant may disrupt the consensus splice site, but this prediction has not been confirmed by published transcriptional studies. In summary, the available evidence is currently insufficient to determine the role of this variant in disease. Therefore, it has been classified as a Variant of Uncertain Significance.

Literature cited by the submitters: PubMed 17576681; PubMed 9536098.